The following is an entry in ClinVar:

NM_003640.5(ELP1):c.23G>T (p.Arg8Leu)

Gene: ELP1 (elongator acetyltransferase complex subunit 1; minus strand). Cytogenetic location: 9q31.3.
Variant type: single nucleotide variant.
Coding change: c.23G>T on transcript NM_003640.5 (MANE Select); coding-DNA position 23, G replaced by T.
Protein change: p.Arg8Leu; replaces arginine 8 with leucine.
Molecular consequence: missense variant. On other transcripts: 5 prime UTR variant (1), intron variant (1).
Genome position (GRCh38, 1-based): chr9:108,931,124, C>A on the plus strand (G>T on the coding strand, the complement: ELP1 is on the minus strand). VCF-style: chr9-108931124-C-A. GRCh37 (hg19) VCF-style: chr9-111693404-C-A.
Other names: c.-837G>T (NM_001330749.2); c.-252-68G>T (NM_001318360.2); c.23G>T (NM_003640.4, LRG_251t1); short protein forms R8L.
Identifiers: ClinVar variation 578228 (VCV000578228.14), dbSNP rs370041985, ClinGen allele CA5175484.

ClinVar aggregate classification (germline): Uncertain significance. Review status: criteria provided, multiple submitters, no conflicts (2 of 4 stars). 6 submissions from 6 submitters: Uncertain significance (5). 1 of the submissions does not count toward it. Last evaluated 2026-09-11.

Conditions:
ELP1-related disorder. Also called: ELP1-related condition.
Medulloblastoma (MDB). Also called: Medulloblastoma, somatic; MEDULLOBLASTOMA PREDISPOSITION SYNDROME. Identifiers: Orphanet 616, MedGen C0025149, MeSH D008527, MONDO:0007959, OMIM 155255, HP:0002885.
Familial dysautonomia. Also called: FD; HSAN III. Identifiers: Orphanet 1764, MedGen C0013364, MONDO:0009131, OMIM 223900. Disease mechanism: loss of function.

Allele frequency attached by ClinVar (database versions not stated): TOPMed 0.00001; ESP Exome Variant Server 0.00008.
gnomAD v4.1: 10 of 1,613,934 alleles (0.00062%); highest among the groups gnomAD compares: Non-Finnish European, 0.00085%; no homozygotes.

Submissions (6):

PreventionGenetics, part of Exact Sciences
Classification: Uncertain significance for ELP1-related condition. Last evaluated: 2026-09-11. Review status: criteria provided, single submitter. Criteria: ACMG Guidelines, 2015. Collection method: clinical testing. Allele origin: germline.
Comment: The ELP1 c.23G>T variant is predicted to result in the amino acid substitution p.Arg8Leu. To our knowledge, this variant has not been reported in the literature. This variant is reported in 0.00088% of alleles in individuals of European (Non-Finnish) descent in gnomAD. At this time, the clinical significance of this variant is uncertain due to the absence of conclusive functional and genetic evidence.

CeGaT Center for Human Genetics Tuebingen
Classification: Uncertain significance. Last evaluated: 2026-04-01. Review status: criteria provided, single submitter. Criteria: CeGaT Center For Human Genetics Tuebingen Variant Classification Criteria Version 2. Collection method: clinical testing. Allele origin: germline. Affected: yes. Observed: 1 variant allele.
Comment: ELP1: PM2, BP4

Ambry Genetics
Classification: Uncertain significance. Last evaluated: 2025-07-28. Review status: criteria provided, single submitter. Criteria: Ambry Variant Classification Scheme 2023. Collection method: clinical testing. Allele origin: germline.
Comment: The p.R8L variant (also known as c.23G>T), located in coding exon 1 of the IKBKAP gene, results from a G to T substitution at nucleotide position 23. The arginine at codon 8 is replaced by leucine, an amino acid with dissimilar properties. This amino acid position is not well conserved in available vertebrate species. In addition, this alteration is predicted to be tolerated by in silico analysis. Since supporting evidence is limited at this time, the clinical significance of this alteration remains unclear.

Fulgent Genetics
Classification: Uncertain significance for Medulloblastoma; Familial dysautonomia. Last evaluated: 2024-01-31. Review status: criteria provided, single submitter. Criteria: ACMG Guidelines, 2015. Collection method: clinical testing. Allele origin: germline.

Labcorp Genetics (formerly Invitae), Labcorp
Classification: Uncertain significance. Last evaluated: 2021-08-31. Review status: criteria provided, single submitter. Criteria: Invitae Variant Classification Sherloc (09022015). Collection method: clinical testing. Allele origin: germline.
Comment: This sequence change replaces arginine with leucine at codon 8 of the ELP1 protein (p.Arg8Leu). The arginine residue is weakly conserved and there is a moderate physicochemical difference between arginine and leucine. This variant is present in population databases (rs370041985, ExAC 0.001%). This variant has not been reported in the literature in individuals affected with ELP1-related conditions. Algorithms developed to predict the effect of missense changes on protein structure and function are either unavailable or do not agree on the potential impact of this missense change (SIFT: "Tolerated"; PolyPhen-2: "Possibly Damaging"; Align-GVGD: "Class C0"). In summary, the available evidence is currently insufficient to determine the role of this variant in disease. Therefore, it has been classified as a Variant of Uncertain Significance.

Natera, Inc.
Classification: Uncertain significance for Familial dysautonomia. Last evaluated: 2020-09-16. Review status: no assertion criteria provided. Collection method: clinical testing. Allele origin: germline. Not counted in ClinVar's aggregate classification.